The following is an entry in ClinVar:

NM_005228.5(EGFR):c.212A>C (p.Gln71Pro)

Gene: EGFR (epidermal growth factor receptor; plus strand). Cytogenetic location: 7p11.2.
Variant type: single nucleotide variant.
Coding change: c.212A>C on transcript NM_005228.5 (MANE Select); coding-DNA position 212, A replaced by C.
Protein change: p.Gln71Pro; replaces glutamine 71 with proline.
Molecular consequence: missense variant. On other transcripts: intron variant (1).
Genome position (GRCh38, 1-based): chr7:55,142,409, A>C. VCF-style: chr7-55142409-A-C. GRCh37 (hg19) VCF-style: chr7-55210102-A-C.
Other names: c.212A>C, p.Gln71Pro (NM_001346897.2, NM_001346898.2, NM_001346899.2 and 3 more transcripts); c.53A>C, p.Gln18Pro (NM_001346900.2); c.89-13421A>C (NM_001346941.2); short protein forms Q18P, Q71P.
Identifiers: ClinVar variation 3715775 (VCV003715775.3).

ClinVar aggregate classification (germline): Uncertain significance. Review status: criteria provided, multiple submitters, no conflicts (2 of 4 stars). 2 submissions from 2 submitters: Uncertain significance (2). Last evaluated 2025-08-15.

Conditions:
Hereditary cancer-predisposing syndrome. Also called: Hereditary neoplastic syndrome; Neoplastic Syndromes, Hereditary; Hereditary Cancer Syndrome; Tumor predisposition. Identifiers: Orphanet 140162, MedGen C0027672, MeSH D009386, MONDO:0015356.
EGFR-related lung cancer (EGFR). Identifiers: MedGen CN130014.

gnomAD v4.1: 1 of 1,614,214 alleles (0.000062%); highest among the groups gnomAD compares: African/African-American, 0.0013%; no homozygotes.

Submissions (2):

Labcorp Genetics (formerly Invitae), Labcorp
Classification: Uncertain significance for EGFR-related lung cancer. Last evaluated: 2025-08-15. Review status: criteria provided, single submitter. Criteria: Invitae Variant Classification Sherloc (09022015). Collection method: clinical testing. Allele origin: germline.
Comment: This sequence change replaces glutamine, which is neutral and polar, with proline, which is neutral and non-polar, at codon 71 of the EGFR protein (p.Gln71Pro). This variant is not present in population databases (gnomAD no frequency). This variant has not been reported in the literature in individuals affected with EGFR-related conditions. ClinVar contains an entry for this variant (Variation ID: 3715775). Invitae Evidence Modeling of protein sequence and biophysical properties (such as structural, functional, and spatial information, amino acid conservation, physicochemical variation, residue mobility, and thermodynamic stability) indicates that this missense variant is not expected to disrupt EGFR protein function with a negative predictive value of 80%. In summary, the available evidence is currently insufficient to determine the role of this variant in disease. Therefore, it has been classified as a Variant of Uncertain Significance.

Ambry Genetics
Classification: Uncertain significance for Hereditary cancer-predisposing syndrome. Last evaluated: 2025-08-08. Review status: criteria provided, single submitter. Criteria: Ambry Variant Classification Scheme 2023. Collection method: clinical testing. Allele origin: germline.
Comment: The p.Q71P variant (also known as c.212A>C), located in coding exon 2 of the EGFR gene, results from an A to C substitution at nucleotide position 212. The glutamine at codon 71 is replaced by proline, an amino acid with similar properties. This amino acid position is conserved. In addition, the in silico prediction for this alteration is inconclusive. Based on the available evidence, the clinical significance of this variant remains unclear.